The following is an entry in ClinVar:

NM_000138.5(FBN1):c.4886T>A (p.Phe1629Tyr)

Gene: FBN1 (fibrillin 1; minus strand). Cytogenetic location: 15q21.1.
Variant type: single nucleotide variant.
Coding change: c.4886T>A on transcript NM_000138.5 (MANE Select); coding-DNA position 4886, T replaced by A.
Protein change: p.Phe1629Tyr; replaces phenylalanine 1629 with tyrosine.
Molecular consequence: missense variant.
Genome position (GRCh38, 1-based): chr15:48,465,624, A>T on the plus strand (T>A on the coding strand, the complement: FBN1 is on the minus strand). VCF-style: chr15-48465624-A-T. GRCh37 (hg19) VCF-style: chr15-48757821-A-T.
Other names: c.4886T>A, p.Phe1629Tyr (NM_001406716.1); short protein forms F1629Y.
Identifiers: ClinVar variation 2926374 (VCV002926374.3), dbSNP rs1343255869, ClinGen allele CA392351168.

ClinVar aggregate classification (germline): Uncertain significance (1 of 4 stars; one submission).

Conditions:
Marfan syndrome (MFS). Also called: MARFAN SYNDROME, TYPE I; Marfan syndrome type 1; Marfan's syndrome; Marfan syndrome, classic; FBN1-Related Marfan Syndrome. Identifiers: Orphanet 284963, Orphanet 558, MedGen C0024796, MONDO:0007947, OMIM 154700.
Familial thoracic aortic aneurysm and aortic dissection (TAAD). Also called: Thoracic aortic aneurysms and dissections. Identifiers: Orphanet 91387, MedGen C4707243, MONDO:0019625.

Submission:

Labcorp Genetics (formerly Invitae), Labcorp
Classification: Uncertain significance for Marfan syndrome; Familial thoracic aortic aneurysm and aortic dissection. Last evaluated: 2024-03-18. Review status: criteria provided, single submitter. Criteria: Invitae Variant Classification Sherloc (09022015). Collection method: clinical testing. Allele origin: germline.
Comment: This sequence change replaces phenylalanine, which is neutral and non-polar, with tyrosine, which is neutral and polar, at codon 1629 of the FBN1 protein (p.Phe1629Tyr). This variant is not present in population databases (gnomAD no frequency). This variant has not been reported in the literature in individuals affected with FBN1-related conditions. Advanced modeling of protein sequence and biophysical properties (such as structural, functional, and spatial information, amino acid conservation, physicochemical variation, residue mobility, and thermodynamic stability) performed at Invitae indicates that this missense variant is expected to disrupt FBN1 protein function with a positive predictive value of 95%. In summary, the available evidence is currently insufficient to determine the role of this variant in disease. Therefore, it has been classified as a Variant of Uncertain Significance.